The following is an entry in ClinVar:

ClinVar aggregate classification (germline): Likely pathogenic (1 of 4 stars; one submission).

Submission:

GeneDx
Classification: Likely pathogenic. Last evaluated: 2026-01-13. Review status: criteria provided, single submitter. Criteria: GeneDx Variant Classification Process June 2021. Collection method: clinical testing. Allele origin: germline.
Comment: Not observed at significant frequency in large population cohorts (gnomAD); In silico analysis supports that this missense variant has a deleterious effect on protein structure/function; Has not been previously published as pathogenic or benign to our knowledge

NM_001001331.4(ATP2B2):c.830G>T (p.Gly277Val)

Gene: ATP2B2 (ATPase plasma membrane Ca2+ transporting 2; minus strand). Cytogenetic location: 3p25.3.
Variant type: single nucleotide variant.
Coding change: c.830G>T on transcript NM_001001331.4 (MANE Select); coding-DNA position 830, G replaced by T.
Protein change: p.Gly277Val; replaces glycine 277 with valine.
Molecular consequence: missense variant.
Genome position (GRCh38, 1-based): chr3:10,388,354, C>A on the plus strand (G>T on the coding strand, the complement: ATP2B2 is on the minus strand). VCF-style: chr3-10388354-C-A. GRCh37 (hg19) VCF-style: chr3-10430038-C-A.
Other names: c.830G>T, p.Gly277Val (NM_001330611.3, NM_001353564.1, NM_001363862.1 and 1 more transcripts); short protein forms G277V.
Identifiers: ClinVar variation 3368341 (VCV003368341.2).
Genomic context (GRCh38, chr3:10,388,354, plus strand): 5'-TCTTCCTCTTCACCACCAGCCCCCAGGAGGGTAAAGATGATGCCAGTCTGAGAGTTCACA[C>A]CCACAGCAGTCACCAACATCCGTCCTGAGCCCTCCATCACGTGGGTTCCTGGGAAAGGGG-3'
Protein context (NP_001001331.1, residues 267-287): GSGRMLVTAV[Gly277Val]VNSQTGIIFT